The following is an entry in ClinVar:

NM_001379500.1(COL18A1):c.1960G>A (p.Gly654Arg)

Gene: COL18A1 (collagen type XVIII alpha 1 chain; plus strand). Cytogenetic location: 21q22.3.
Variant type: single nucleotide variant.
Coding change: c.1960G>A on transcript NM_001379500.1 (MANE Select); coding-DNA position 1960, G replaced by A.
Protein change: p.Gly654Arg; replaces glycine 654 with arginine.
Molecular consequence: missense variant.
Genome position (GRCh38, 1-based): chr21:45,490,275, G>A. VCF-style: chr21-45490275-G-A. GRCh37 (hg19) VCF-style: chr21-46910189-G-A.
Other names: c.2500G>A, p.Gly834Arg (NM_030582.4); c.3205G>A, p.Gly1069Arg (NM_130444.3); short protein forms G654R, G1069R, G834R.
Identifiers: ClinVar variation 1417145 (VCV001417145.4), dbSNP rs1288985094, ClinGen allele CA410496690.

ClinVar aggregate classification (germline): Uncertain significance (1 of 4 stars; one submission).

Allele frequency attached by ClinVar (database versions not stated): gnomAD exomes below 0.00001 and 0.00001; TOPMed 0.00001.
gnomAD v4.1: 4 of 1,581,308 alleles (0.00025%); highest among the groups gnomAD compares: Admixed American, 0.0036%; no homozygotes.

Submission:

Labcorp Genetics (formerly Invitae), Labcorp
Classification: Uncertain significance. Last evaluated: 2022-08-15. Review status: criteria provided, single submitter. Criteria: Invitae Variant Classification Sherloc (09022015). Collection method: clinical testing. Allele origin: germline.
Comment: This sequence change replaces glycine with arginine at codon 654 of the COL18A1 protein (p.Gly654Arg). There is a moderate physicochemical difference between glycine and arginine. In summary, the available evidence is currently insufficient to determine the role of this variant in disease. Therefore, it has been classified as a Variant of Uncertain Significance. Algorithms developed to predict the effect of sequence changes on RNA splicing suggest that this variant may create or strengthen a splice site. Experimental studies and prediction algorithms are not available or were not evaluated, and the functional significance of this variant is currently unknown. ClinVar contains an entry for this variant (Variation ID: 1417145). This variant has not been reported in the literature in individuals affected with COL18A1-related conditions. The frequency data for this variant in the population databases is considered unreliable, as metrics indicate poor data quality at this position in the gnomAD database.